The following is an entry in ClinVar:

NM_000531.6(OTC):c.1015G>A (p.Val339Met)

Gene: OTC (ornithine transcarbamylase; plus strand). Cytogenetic location: Xp11.4.
Variant type: single nucleotide variant.
Coding change: c.1015G>A on transcript NM_000531.6 (MANE Select); coding-DNA position 1015, G replaced by A.
Protein change: p.Val339Met; replaces valine 339 with methionine.
Molecular consequence: missense variant.
Genome position (GRCh38, 1-based): chrX:38,421,032, G>A. VCF-style: chrX-38421032-G-A. GRCh37 (hg19) VCF-style: chrX-38280285-G-A.
Other names: short protein forms V339M.
Identifiers: ClinVar variation 870333 (VCV000870333.3), dbSNP rs72558488, ClinGen allele CA412728026.

ClinVar aggregate classification (germline): Likely pathogenic. Review status: criteria provided, single submitter (1 of 4 stars). 2 submissions from 2 submitters: Likely pathogenic (1). 1 of the submissions does not count toward it. Last evaluated 2025-06-28.

Conditions:
Ornithine carbamoyltransferase deficiency (OTCD). Also called: OTC DEFICIENCY; Ornithine Carbamoyltransferase Deficiency Disease; ORNITHINE TRANSCARBAMYLASE DEFICIENCY; ORNITHINE TRANSCARBAMYLASE DEFICIENCY, HYPERAMMONEMIA DUE TO. Identifiers: Orphanet 664, MedGen C0268542, MONDO:0010703, OMIM 311250.

Submissions (2):

Immunogenetics and Transplant Biology Service, University Hospital "Città della Salute e della Scienza di Torino"
Classification: Likely pathogenic for Ornithine carbamoyltransferase deficiency. Last evaluated: 2025-06-28. Review status: criteria provided, single submitter. Criteria: ACMG Guidelines, 2015. Collection method: clinical testing. Allele origin: germline. Affected: yes.

Molecular Genetics laboratory, Necker Hospital
Classification: Pathogenic for Ornithine carbamoyltransferase deficiency. Review status: no assertion criteria provided. Collection method: clinical testing. Allele origin: de novo. Inheritance: X-linked inheritance. Affected: yes. Not counted in ClinVar's aggregate classification.